The following is an entry in ClinVar:

NM_020066.5(FMN2):c.3429A>T (p.Pro1143=)

Gene: FMN2 (formin 2; plus strand). Cytogenetic location: 1q43.
Variant type: single nucleotide variant.
Coding change: c.3429A>T on transcript NM_020066.5 (MANE Select); coding-DNA position 3429, A replaced by T.
Protein change: p.Pro1143=; no amino-acid change (proline 1143 retained).
Molecular consequence: synonymous variant. On other transcripts: intron variant (1).
Genome position (GRCh38, 1-based): chr1:240,208,241, A>T. VCF-style: chr1-240208241-A-T. GRCh37 (hg19) VCF-style: chr1-240371541-A-T.
Other names: c.3441A>T, p.Pro1147= (NM_001305424.2); c.1986+19979A>T (NM_001348094.2); c.3429A>T (NM_020066.4).
Identifiers: ClinVar variation 2640192 (VCV002640192.26), dbSNP rs202161866, ClinGen allele CA1477171.

ClinVar aggregate classification (germline): Likely benign. Review status: criteria provided, multiple submitters, no conflicts (2 of 4 stars). 3 submissions from 3 submitters: Likely benign (2). 1 of the submissions does not count toward it. Last evaluated 2026-08-01.

Conditions:
FMN2-related disorder. Also called: FMN2-related condition.

Submissions (3):

CeGaT Center for Human Genetics Tuebingen
Classification: Likely benign. Last evaluated: 2026-08-01. Review status: criteria provided, single submitter. Criteria: CeGaT Center For Human Genetics Tuebingen Variant Classification Criteria Version 2. Collection method: clinical testing. Allele origin: germline. Affected: yes. Observed: 18 variant alleles.
Comment: FMN2: BP4, BP7, BS1

Blueprint Genetics
Classification: Likely benign. Last evaluated: 2024-11-11. Review status: criteria provided, single submitter. Criteria: ACMG Guidelines, 2015. Collection method: clinical testing. Allele origin: germline.

PreventionGenetics, part of Exact Sciences
Classification: Likely benign for FMN2-related condition. Last evaluated: 2021-08-31. Review status: no assertion criteria provided. Collection method: clinical testing. Allele origin: germline. Not counted in ClinVar's aggregate classification.
Comment: This variant is classified as likely benign based on ACMG/AMP sequence variant interpretation guidelines (Richards et al. 2015 PMID: 25741868, with internal and published modifications).